The following is an entry in ClinVar:

NM_020719.3(PRR12):c.5723A>C (p.Asp1908Ala)

Gene: PRR12 (proline rich 12; plus strand). Cytogenetic location: 19q13.33.
Variant type: single nucleotide variant.
Coding change: c.5723A>C on transcript NM_020719.3 (MANE Select); coding-DNA position 5723, A replaced by C.
Protein change: p.Asp1908Ala; replaces aspartic acid 1908 with alanine.
Molecular consequence: missense variant.
Genome position (GRCh38, 1-based): chr19:49,624,845, A>C. VCF-style: chr19-49624845-A-C. GRCh37 (hg19) VCF-style: chr19-50128102-A-C.
Other names: short protein forms D1908A.
Identifiers: ClinVar variation 4282222 (VCV004282222.1).

ClinVar aggregate classification (germline): Uncertain significance (1 of 4 stars; one submission).

Submission:

GeneDx
Classification: Uncertain significance. Last evaluated: 2025-04-15. Review status: criteria provided, single submitter. Criteria: GeneDx Variant Classification Process June 2021. Collection method: clinical testing. Allele origin: germline. Affected: yes.
Comment: Not observed at significant frequency in large population cohorts (gnomAD); In silico analysis supports that this missense variant has a deleterious effect on protein structure/function; Has not been previously published as pathogenic or benign to our knowledge